The following is an entry in ClinVar:

NM_004329.3(BMPR1A):c.231-11T>A

Gene: BMPR1A (bone morphogenetic protein receptor type 1A; plus strand). Cytogenetic location: 10q23.2.
Variant type: single nucleotide variant.
Coding change: c.231-11T>A on transcript NM_004329.3 (MANE Select); 11 bases into the intron before coding-DNA position 231, T replaced by A.
Molecular consequence: intron variant.
Genome position (GRCh38, 1-based): chr10:86,892,116, T>A. VCF-style: chr10-86892116-T-A. GRCh37 (hg19) VCF-style: chr10-88651873-T-A.
Identifiers: ClinVar variation 1608678 (VCV001608678.9), dbSNP rs1343373290, ClinGen allele CA594895977.
Genomic context (GRCh38, chr10:86,892,116, plus strand): 5'-CAGACTCAAATTTCGTTAGTACTTTCTATGTGAATTTATGTTTTGTTTTGTTTTGTTTTT[T>A]TCTGTTTTAGAACTAATGGACATTGCTTTGCCATCATAGAAGAAGATGACCAGGGAGAAA-3'

ClinVar aggregate classification (germline): Likely benign. Review status: criteria provided, multiple submitters, no conflicts (2 of 4 stars). 2 submissions from 2 submitters: Likely benign (2). Last evaluated 2026-01-10.

Conditions:
Juvenile polyposis syndrome (JPS). Identifiers: Orphanet 2929, MedGen C0345893, MONDO:0017380, OMIM 174900.

Allele frequency attached by ClinVar (database versions not stated): gnomAD exomes below 0.00001.
gnomAD v4.1: 2 of 1,603,888 alleles (0.00012%); highest among the groups gnomAD compares: East Asian, 0.0045%; no homozygotes.

Submissions (2):

Labcorp Genetics (formerly Invitae), Labcorp
Classification: Likely benign for Juvenile polyposis syndrome. Last evaluated: 2026-01-10. Review status: criteria provided, single submitter. Criteria: Invitae Variant Classification Sherloc (09022015). Collection method: clinical testing. Allele origin: germline.

All of Us Research Program, National Institutes of Health
Classification: Likely benign for Juvenile polyposis syndrome. Last evaluated: 2023-11-30. Review status: criteria provided, single submitter. Criteria: ACMG Guidelines, 2015. Collection method: clinical testing. Allele origin: germline. Inheritance: Autosomal dominant inheritance. Observed: 3 variant alleles, 3 heterozygotes.
Comment: This study involves interpretation of variants in research participants for the purpose of population health screening. Participant phenotype was not available at the time of variant classification. Additional details can be found in publication PMID: 35346344, PMCID: PMC8962531